The following is an entry in ClinVar:

NM_004304.5(ALK):c.2515A>T (p.Ile839Phe)

Gene: ALK (ALK receptor tyrosine kinase; minus strand). Cytogenetic location: 2p23.2.
Variant type: single nucleotide variant.
Coding change: c.2515A>T on transcript NM_004304.5 (MANE Select); coding-DNA position 2515, A replaced by T.
Protein change: p.Ile839Phe; replaces isoleucine 839 with phenylalanine.
Molecular consequence: missense variant.
Genome position (GRCh38, 1-based): chr2:29,232,421, T>A on the plus strand (A>T on the coding strand, the complement: ALK is on the minus strand). VCF-style: chr2-29232421-T-A. GRCh37 (hg19) VCF-style: chr2-29455287-T-A.
Other names: short protein forms I839F.
Identifiers: ClinVar variation 4797803 (VCV004797803.1).
Genomic context (GRCh38, chr2:29,232,421, plus strand): 5'-CTGGGTGGAACGTGTCTGTCTTGGCCCCGTAGGCCCTGCCACCACCTCCGGCTGCAATGA[T>A]CAGGGGCACCGGCACTCCATCCTTCATCTGACCAGGGGAGACATTCAGACATTGAGAAAC-3'
Protein context (NP_004295.2, residues 829-849): KMKDGVPVPL[Ile839Phe]IAAGGGGRAY

ClinVar aggregate classification (germline): Uncertain significance (1 of 4 stars; one submission).

Conditions:
Neuroblastoma, susceptibility to, 3. Also called: ALK-Related Neuroblastic Tumor Susceptibility. Identifiers: Orphanet 635, MedGen C2751681, MONDO:0013083, OMIM 613014.

gnomAD v4.1: 1 of 1,614,272 alleles (0.000062%); highest among the groups gnomAD compares: Non-Finnish European, 0.000085%; no homozygotes.

Submission:

Labcorp Genetics (formerly Invitae), Labcorp
Classification: Uncertain significance for Neuroblastoma, susceptibility to, 3. Last evaluated: 2025-05-19. Review status: criteria provided, single submitter. Criteria: Invitae Variant Classification Sherloc (09022015). Collection method: clinical testing. Allele origin: germline.
Comment: This sequence change replaces isoleucine, which is neutral and non-polar, with phenylalanine, which is neutral and non-polar, at codon 839 of the ALK protein (p.Ile839Phe). This variant is not present in population databases (gnomAD no frequency). This variant has not been reported in the literature in individuals affected with ALK-related conditions. An algorithm developed to predict the effect of missense changes on protein structure and function (PolyPhen-2) suggests that this variant is likely to be disruptive. In summary, the available evidence is currently insufficient to determine the role of this variant in disease. Therefore, it has been classified as a Variant of Uncertain Significance.